The following is an entry in ClinVar:

ClinVar aggregate classification (germline): Pathogenic (1 of 4 stars; one submission).

Conditions:
Glycogen storage disease type III (GSD3). Also called: FORBES DISEASE; Cori disease. Identifiers: Orphanet 366, MedGen C0017922, MONDO:0009291, OMIM 232400.

Submission:

Myriad Genetics, Inc.
Classification: Pathogenic for Glycogen storage disease type III. Last evaluated: 2025-11-27. Review status: criteria provided, single submitter. Criteria: Myriad Autosomal Dominant, Autosomal Recessive and X-Linked Classification Criteria (2023). Collection method: clinical testing. Allele origin: unknown.
Comment: NM_000642.2(AGL):c.2716_2717insTG(Q906Lfs*35) is expected to be pathogenic in the context of glycogen storage disease type III. This variant is predicted to lead to an abnormal or absent protein product due to the creation of a premature termination codon in AGL, a gene where loss-of-function variants are known to be pathogenic. Please note: this variant was assessed in the context of healthy population screening.

NM_000642.3(AGL):c.2716_2717insTG (p.Gln906fs)

Gene: AGL (amylo-alpha-1,6-glucosidase and 4-alpha-glucanotransferase; plus strand). Cytogenetic location: 1p21.2.
Variant type: Insertion.
Coding change: c.2716_2717insTG on transcript NM_000642.3 (MANE Select); coding-DNA positions 2716 to 2717, TG inserted.
Protein change: p.Gln906fs; shifts the reading frame from glutamine 906.
Molecular consequence: frameshift variant.
Genome position: GRCh38 VCF-style: chr1-99888012-C-CTG. GRCh37 (hg19) VCF-style: chr1-100353568-C-CTG.
Other names: c.2716_2717insTG, p.Gln906Leufs (NM_000028.3, NM_000643.3, NM_000644.3 and 2 more transcripts); c.2668_2669insTG, p.Gln890Leufs (NM_000646.3); c.2515_2516insTG, p.Gln839Leufs (NM_001425327.1); c.2512_2513insTG, p.Gln838Leufs (NM_001425328.1); c.2377_2378insTG, p.Gln793Leufs (NM_001425329.1); c.2338_2339insTG, p.Gln780Leufs (NM_001425332.1); short protein forms Q890fs, Q906fs.
Identifiers: ClinVar variation 5015273 (VCV005015273.1).